The following is an entry in ClinVar:

ClinVar aggregate classification (germline): Likely benign. Review status: criteria provided, multiple submitters, no conflicts (2 of 4 stars). 2 submissions from 2 submitters: Likely benign (2). Last evaluated 2025-03-11.

Conditions:
RYR1-related disorder. Also called: RYR1-related condition; RYR1-related disorders. Identifiers: MedGen CN239331.

Allele frequency attached by ClinVar (database versions not stated): gnomAD exomes 0.00001; gnomAD 0.00003; TOPMed 0.00003.
gnomAD v4.1: 22 of 1,613,760 alleles (0.0014%); highest among the groups gnomAD compares: African/African-American, 0.004%; no homozygotes.

Submissions (2):

Labcorp Genetics (formerly Invitae), Labcorp
Classification: Likely benign for RYR1-related disorder. Last evaluated: 2025-03-11. Review status: criteria provided, single submitter. Criteria: Invitae Variant Classification Sherloc (09022015). Collection method: clinical testing. Allele origin: germline.

Women's Health and Genetics/Laboratory Corporation of America, LabCorp
Classification: Likely benign. Last evaluated: 2024-12-02. Review status: criteria provided, single submitter. Criteria: LabCorp Variant Classification Summary - May 2015. Collection method: clinical testing. Allele origin: germline.
Comment: Variant summary: RYR1 c.10347+19C>T alters a non-conserved nucleotide located at a position not widely known to affect splicing. Consensus agreement among computation tools predict no significant impact on normal splicing. However, these predictions have yet to be confirmed by functional studies. The variant allele was found at a frequency of 4e-06 in 250800 control chromosomes. The available data on variant occurrences in the general population are insufficient to allow any conclusion about variant significance. To our knowledge, no occurrence of c.10347+19C>T in individuals affected with Myopathy, RYR1-Associated and no experimental evidence demonstrating its impact on protein function have been reported. ClinVar contains an entry for this variant (Variation ID: 2729811). Based on the evidence outlined above, the variant was classified as likely benign.

NM_000540.3(RYR1):c.10347+19C>T

Gene: RYR1 (ryanodine receptor 1; plus strand). Cytogenetic location: 19q13.2.
Variant type: single nucleotide variant.
Coding change: c.10347+19C>T on transcript NM_000540.3 (MANE Select); 19 bases into the intron after coding-DNA position 10347, C replaced by T.
Molecular consequence: intron variant.
Genome position (GRCh38, 1-based): chr19:38,523,134, C>T. VCF-style: chr19-38523134-C-T. GRCh37 (hg19) VCF-style: chr19-39013774-C-T.
Other names: c.10347+19C>T (NM_001042723.2).
Identifiers: ClinVar variation 2729811 (VCV002729811.4), dbSNP rs1337925480, ClinGen allele CA632877985.